The following is an entry in ClinVar:

ClinVar aggregate classification (germline): Likely benign (1 of 4 stars; one submission).

Submission:

CeGaT Center for Human Genetics Tuebingen
Classification: Likely benign. Last evaluated: 2024-05-01. Review status: criteria provided, single submitter. Criteria: CeGaT Center For Human Genetics Tuebingen Variant Classification Criteria Version 2. Collection method: clinical testing. Allele origin: germline. Affected: yes. Observed: 1 variant allele.
Comment: ATP11A: BP4, BP7

NM_015205.3(ATP11A):c.*78C>T

Gene: ATP11A (ATPase phospholipid transporting 11A; plus strand). Cytogenetic location: 13q34.
Variant type: single nucleotide variant.
Coding change: c.*78C>T on transcript NM_015205.3 (MANE Select); 78 bases downstream of the stop codon, C replaced by T.
Molecular consequence: 3 prime UTR variant. On other transcripts: synonymous variant (3).
Genome position (GRCh38, 1-based): chr13:112,881,944, C>T. VCF-style: chr13-112881944-C-T. GRCh37 (hg19) VCF-style: chr13-113536258-C-T.
Other names: c.3459C>T, p.Leu1153= (NM_001405661.1); c.3396C>T, p.Leu1132= (NM_001405662.1); c.*80C>T (NM_001405663.1); c.3456C>T, p.Leu1152= (NM_032189.4).
Identifiers: ClinVar variation 3239292 (VCV003239292.19), dbSNP rs199825696.